The following is an entry in ClinVar:

ClinVar aggregate classification (germline): Uncertain significance. Review status: criteria provided, multiple submitters, no conflicts (2 of 4 stars). 2 submissions from 2 submitters: Uncertain significance (2). Last evaluated 2024-04-30.

Allele frequency attached by ClinVar (database versions not stated): gnomAD 0.00001; gnomAD exomes 0.00001; TOPMed 0.00002.
gnomAD v4.1: 16 of 1,543,852 alleles (0.001%); highest among the groups gnomAD compares: Middle Eastern, 0.017%; no homozygotes.

Submissions (2):

Blueprint Genetics
Classification: Uncertain significance. Last evaluated: 2024-04-30. Review status: criteria provided, single submitter. Criteria: ACMG Guidelines, 2015. Collection method: clinical testing. Allele origin: germline.

Labcorp Genetics (formerly Invitae), Labcorp
Classification: Uncertain significance. Last evaluated: 2022-07-29. Review status: criteria provided, single submitter. Criteria: Invitae Variant Classification Sherloc (09022015). Collection method: clinical testing. Allele origin: germline.
Comment: This sequence change replaces alanine, which is neutral and non-polar, with valine, which is neutral and non-polar, at codon 1999 of the CACNA1B protein (p.Ala1999Val). The frequency data for this variant in the population databases is considered unreliable, as metrics indicate poor data quality at this position in the gnomAD database. This variant has not been reported in the literature in individuals affected with CACNA1B-related conditions. Advanced modeling of protein sequence and biophysical properties (such as structural, functional, and spatial information, amino acid conservation, physicochemical variation, residue mobility, and thermodynamic stability) performed at Invitae indicates that this missense variant is not expected to disrupt CACNA1B protein function. In summary, the available evidence is currently insufficient to determine the role of this variant in disease. Therefore, it has been classified as a Variant of Uncertain Significance.

NM_000718.4(CACNA1B):c.5996C>T (p.Ala1999Val)

Gene: CACNA1B (calcium voltage-gated channel subunit alpha1 B; plus strand). Cytogenetic location: 9q34.3.
Variant type: single nucleotide variant.
Coding change: c.5996C>T on transcript NM_000718.4 (MANE Select); coding-DNA position 5996, C replaced by T.
Protein change: p.Ala1999Val; replaces alanine 1999 with valine.
Molecular consequence: missense variant.
Genome position (GRCh38, 1-based): chr9:138,118,734, C>T. VCF-style: chr9-138118734-C-T. GRCh37 (hg19) VCF-style: chr9-141013186-C-T.
Other names: c.5996C>T, p.Ala1999Val (NM_001243812.2); short protein forms A1999V.
Identifiers: ClinVar variation 2421877 (VCV002421877.4), dbSNP rs1013324131, ClinGen allele CA201872339.